The following is an entry in ClinVar:

ClinVar aggregate classification (germline): Uncertain significance (1 of 4 stars; one submission).

Conditions:
Inborn genetic diseases. Identifiers: MedGen C0950123, MeSH D030342.

gnomAD v4.1: 3 of 1,614,028 alleles (0.00019%); highest among the groups gnomAD compares: Non-Finnish European, 0.00025%; no homozygotes.

Submission:

Ambry Genetics
Classification: Uncertain significance for Inborn genetic diseases. Last evaluated: 2025-02-02. Review status: criteria provided, single submitter. Criteria: Ambry Variant Classification Scheme 2023. Collection method: clinical testing. Allele origin: germline.
Comment: The p.E219Q variant (also known as c.655G>C), located in coding exon 5 of the MECOM gene, results from a G to C substitution at nucleotide position 655. The glutamic acid at codon 219 is replaced by glutamine, an amino acid with highly similar properties. This amino acid position is conserved. In addition, this alteration is predicted to be tolerated by in silico analysis. Based on the available evidence, the clinical significance of this variant remains unclear.

NM_004991.4(MECOM):c.655G>C (p.Glu219Gln)

Gene: MECOM (MDS1 and EVI1 complex locus; minus strand). Cytogenetic location: 3q26.2.
Variant type: single nucleotide variant.
Coding change: c.655G>C on transcript NM_004991.4 (MANE Select); coding-DNA position 655, G replaced by C.
Protein change: p.Glu219Gln; replaces glutamic acid 219 with glutamine.
Molecular consequence: missense variant.
Genome position (GRCh38, 1-based): chr3:169,128,019, C>G on the plus strand (G>C on the coding strand, the complement: MECOM is on the minus strand). VCF-style: chr3-169128019-C-G. GRCh37 (hg19) VCF-style: chr3-168845807-C-G.
Other names: c.283G>C, p.Glu95Gln (NM_001105077.4); c.91G>C, p.Glu31Gln (NM_001105078.4, NM_001163999.2, NM_001164000.2 and 9 more transcripts); c.655G>C, p.Glu219Gln (NM_001366466.2, NM_001366473.2); short protein forms E31Q, E219Q, E95Q.
Identifiers: ClinVar variation 3871786 (VCV003871786.1).